The following is an entry in ClinVar:

NM_004944.4(DNASE1L3):c.709G>C (p.Val237Leu)

Gene: DNASE1L3 (deoxyribonuclease 1L3; minus strand). Cytogenetic location: 3p14.3.
Variant type: single nucleotide variant.
Coding change: c.709G>C on transcript NM_004944.4 (MANE Select); coding-DNA position 709, G replaced by C.
Protein change: p.Val237Leu; replaces valine 237 with leucine.
Molecular consequence: missense variant.
Genome position (GRCh38, 1-based): chr3:58,193,435, C>G on the plus strand (G>C on the coding strand, the complement: DNASE1L3 is on the minus strand). VCF-style: chr3-58193435-C-G. GRCh37 (hg19) VCF-style: chr3-58179162-C-G.
Other names: c.619G>C, p.Val207Leu (NM_001256560.2); c.709G>C (NM_004944.2); short protein forms V207L, V237L.
Identifiers: ClinVar variation 1400382 (VCV001400382.8), dbSNP rs747698984, ClinGen allele CA2469874.

ClinVar aggregate classification (germline): Uncertain significance. Review status: criteria provided, multiple submitters, no conflicts (2 of 4 stars). 3 submissions from 3 submitters: Uncertain significance (3). Last evaluated 2022-05-06.

Conditions:
Inborn genetic diseases. Identifiers: MedGen C0950123, MeSH D030342.
Autosomal systemic lupus erythematosus type 16. Also called: Systemic lupus erythematosus 16. Identifiers: Orphanet 300345, MedGen C3280742, MONDO:0013743, OMIM 614420.

Allele frequency attached by ClinVar (database versions not stated): ExAC 0.00001; gnomAD exomes 0.00002 and 0.00004; gnomAD 0.00003.
gnomAD v4.1: 29 of 1,611,652 alleles (0.0018%); highest among the groups gnomAD compares: Admixed American, 0.027%; no homozygotes.

Submissions (3):

Labcorp Genetics (formerly Invitae), Labcorp
Classification: Uncertain significance. Last evaluated: 2022-05-06. Review status: criteria provided, single submitter. Criteria: Invitae Variant Classification Sherloc (09022015). Collection method: clinical testing. Allele origin: germline.
Comment: This sequence change replaces valine, which is neutral and non-polar, with leucine, which is neutral and non-polar, at codon 237 of the DNASE1L3 protein (p.Val237Leu). This variant is present in population databases (rs747698984, gnomAD 0.03%). This variant has not been reported in the literature in individuals affected with DNASE1L3-related conditions. Algorithms developed to predict the effect of missense changes on protein structure and function (SIFT, PolyPhen-2, Align-GVGD) all suggest that this variant is likely to be disruptive. In summary, the available evidence is currently insufficient to determine the role of this variant in disease. Therefore, it has been classified as a Variant of Uncertain Significance.

Fulgent Genetics
Classification: Uncertain significance for Autosomal systemic lupus erythematosus type 16. Last evaluated: 2022-04-21. Review status: criteria provided, single submitter. Criteria: ACMG Guidelines, 2015. Collection method: clinical testing. Allele origin: unknown.

Ambry Genetics
Classification: Uncertain significance for Inborn genetic diseases. Last evaluated: 2021-11-09. Review status: criteria provided, single submitter. Criteria: Ambry Variant Classification Scheme 2023. Collection method: clinical testing. Allele origin: germline.